The following is an entry in ClinVar:

NM_005502.4(ABCA1):c.5731A>C (p.Ile1911Leu)

Gene: ABCA1 (ATP binding cassette subfamily A member 1; minus strand). Cytogenetic location: 9q31.1.
Variant type: single nucleotide variant.
Coding change: c.5731A>C on transcript NM_005502.4 (MANE Select); coding-DNA position 5731, A replaced by C.
Protein change: p.Ile1911Leu; replaces isoleucine 1911 with leucine.
Molecular consequence: missense variant.
Genome position (GRCh38, 1-based): chr9:104,792,812, T>G on the plus strand (A>C on the coding strand, the complement: ABCA1 is on the minus strand). VCF-style: chr9-104792812-T-G. GRCh37 (hg19) VCF-style: chr9-107555093-T-G.
Other names: p.Ile1911Leu; short protein forms I1911L.
Identifiers: ClinVar variation 3495815 (VCV003495815.2).

ClinVar aggregate classification (germline): Uncertain significance. Review status: criteria provided, multiple submitters, no conflicts (2 of 4 stars). 2 submissions from 2 submitters: Uncertain significance (2). Last evaluated 2025-05-13.

Conditions:
Cardiovascular phenotype. Identifiers: MedGen CN230736.

Submissions (2):

Mayo Clinic Laboratories, Mayo Clinic
Classification: Uncertain significance. Last evaluated: 2025-05-13. Review status: criteria provided, single submitter. Criteria: ACMG Guidelines, 2015. Collection method: clinical testing. Allele origin: germline. Observed: 2 variant alleles.
Comment: PM2_supporting

Ambry Genetics
Classification: Uncertain significance for Cardiovascular phenotype. Last evaluated: 2024-08-26. Review status: criteria provided, single submitter. Criteria: Ambry Variant Classification Scheme 2023. Collection method: clinical testing. Allele origin: germline.